The following is an entry in ClinVar:

NM_030923.5(TMEM163):c.767T>C (p.Ile256Thr)

Gene: TMEM163 (transmembrane protein 163; minus strand). Cytogenetic location: 2q21.3.
Variant type: single nucleotide variant.
Coding change: c.767T>C on transcript NM_030923.5 (MANE Select); coding-DNA position 767, T replaced by C.
Protein change: p.Ile256Thr; replaces isoleucine 256 with threonine.
Molecular consequence: missense variant.
Genome position (GRCh38, 1-based): chr2:134,458,074, A>G on the plus strand (T>C on the coding strand, the complement: TMEM163 is on the minus strand). VCF-style: chr2-134458074-A-G. GRCh37 (hg19) VCF-style: chr2-135215645-A-G.
Other names: short protein forms I256T.
Identifiers: ClinVar variation 5039445 (VCV005039445.1).
Genomic context (GRCh38, chr2:134,458,074, plus strand): 5'-GAAAGCACAAGAACCTACTTGACCCCATAGGCAAATATGGTGAGGCCGATCAGAACGCCT[A>G]TGCTGCCGTCCAGGTACCAGACCGCCGAGTCATGCTTGAACACTTCCGCGCTCAGAAGAA-3'
Protein context (NP_112185.1, residues 246-266): DSAVWYLDGS[Ile256Thr]GVLIGLTIFA

ClinVar aggregate classification (germline): Likely benign (1 of 4 stars; one submission).

gnomAD v4.1: 8 of 1,614,080 alleles (0.0005%); highest among the groups gnomAD compares: South Asian, 0.0011%; no homozygotes.

Submission:

CeGaT Center for Human Genetics Tuebingen
Classification: Likely benign. Last evaluated: 2026-07-01. Review status: criteria provided, single submitter. Criteria: CeGaT Center For Human Genetics Tuebingen Variant Classification Criteria Version 2. Collection method: clinical testing. Allele origin: germline. Affected: yes. Observed: 1 variant allele.
Comment: TMEM163: BP4